The following is an entry in ClinVar:

ClinVar aggregate classification (germline): Uncertain significance (1 of 4 stars; one submission).

gnomAD v4.1: 70 of 1,536,146 alleles (0.0046%); highest among the groups gnomAD compares: African/African-American, 0.081%; no homozygotes.

Submission:

Labcorp Genetics (formerly Invitae), Labcorp
Classification: Uncertain significance. Last evaluated: 2025-06-04. Review status: criteria provided, single submitter. Criteria: Invitae Variant Classification Sherloc (09022015). Collection method: clinical testing. Allele origin: germline.
Comment: The FMN1 gene has multiple clinically relevant transcripts. This variant occurs in alternate transcript NM_001277314.1, and corresponds to NM_001103184.3:c.-85670C>T in the primary transcript. This sequence change replaces threonine, which is neutral and polar, with methionine, which is neutral and non-polar, at codon 454 of the FMN1 protein (p.Thr454Met). This variant is present in population databases (no rsID available, gnomAD 0.07%), and has an allele count higher than expected for a pathogenic variant. This variant has not been reported in the literature in individuals affected with FMN1-related conditions. Experimental studies and prediction algorithms are not available or were not evaluated, and the functional significance of this variant is currently unknown. In summary, the available evidence is currently insufficient to determine the role of this variant in disease. Therefore, it has been classified as a Variant of Uncertain Significance.

NM_001277313.2(FMN1):c.1361C>T (p.Thr454Met)

Gene: FMN1 (formin 1; minus strand). Cytogenetic location: 15q13.3.
Variant type: single nucleotide variant.
Coding change: c.1361C>T on transcript NM_001277313.2 (MANE Select); coding-DNA position 1361, C replaced by T.
Protein change: p.Thr454Met; replaces threonine 454 with methionine.
Molecular consequence: missense variant.
Genome position (GRCh38, 1-based): chr15:33,153,554, G>A on the plus strand (C>T on the coding strand, the complement: FMN1 is on the minus strand). VCF-style: chr15-33153554-G-A. GRCh37 (hg19) VCF-style: chr15-33445755-G-A.
Other names: c.1361C>T, p.Thr454Met (NM_001277314.2); short protein forms T454M.
Identifiers: ClinVar variation 4742052 (VCV004742052.1).